The following is an entry in ClinVar:

ClinVar aggregate classification (germline): Conflicting classifications of pathogenicity. Review status: criteria provided, conflicting classifications (1 of 4 stars). 2 submissions from 2 submitters: Uncertain significance (1); Likely benign (1). Last evaluated 2025-01-29.

Conditions:
Hereditary pancreatitis (PCTT). Also called: Hereditary chronic pancreatitis; PRSS1-Related Hereditary Pancreatitis. Identifiers: Orphanet 676, MedGen C0238339, MONDO:0008185, OMIM 167800.

Submissions (2):

Labcorp Genetics (formerly Invitae), Labcorp
Classification: Uncertain significance. Last evaluated: 2025-01-29. Review status: criteria provided, single submitter. Criteria: Invitae Variant Classification Sherloc (09022015). Collection method: clinical testing. Allele origin: germline.
Comment: This sequence change creates a premature translational stop signal (p.Tyr200Trpfs*91) in the CPA1 gene. It is expected to result in an absent or disrupted protein product. However, the current clinical and genetic evidence is not sufficient to establish whether loss-of-function variants in CPA1 cause disease. Information on the frequency of this variant in the gnomAD database is not available, as this variant may be reported differently in the database. This variant has not been reported in the literature in individuals affected with CPA1-related conditions. In summary, the available evidence is currently insufficient to determine the role of this variant in disease. Therefore, it has been classified as a Variant of Uncertain Significance.

Ambry Genetics
Classification: Likely benign for Hereditary pancreatitis. Last evaluated: 2019-04-03. Review status: criteria provided, single submitter. Criteria: Ambry Variant Classification Scheme 2023. Collection method: clinical testing. Allele origin: germline.

NM_001868.4(CPA1):c.599_600delinsG (p.Tyr200fs)

Gene: CPA1 (carboxypeptidase A1; plus strand). Cytogenetic location: 7q32.2.
Variant type: Indel.
Coding change: c.599_600delinsG on transcript NM_001868.4 (MANE Select); coding-DNA positions 599 to 600, AC replaced by G.
Protein change: p.Tyr200fs; shifts the reading frame from tyrosine 200.
Molecular consequence: frameshift variant.
Genome position (GRCh38, 1-based): chr7:130,383,697-130,383,698, AC replaced by G. VCF-style: chr7-130383697-AC-G. GRCh37 (hg19) VCF-style: chr7-130023538-AC-G.
Other names: short protein forms Y200fs.
Identifiers: ClinVar variation 826100 (VCV000826100.5), dbSNP rs1584851947, ClinGen allele CA915945528.